The following is an entry in ClinVar:

ClinVar aggregate classification (germline): Uncertain significance (1 of 4 stars; one submission).

Conditions:
Myopathy, congenital, with tremor. Also called: CONGENITAL MYOPATHY 16; myogenic tremor. Identifiers: MedGen C5231401, MONDO:0032797, OMIM 618524.

Submission:

Dasa
Classification: Uncertain significance for Myopathy, congenital, with tremor. Last evaluated: 2026-04-15. Review status: criteria provided, single submitter. Criteria: DASA Assertion Criteria. Collection method: clinical testing. Allele origin: germline.
Comment: NM_002465.4(MYBPC1):c.772G>C (p.Asp258His) is a missense variant that results in the substitution of aspartic acid with histidine. The affected residue or protein region has prior evidence supporting clinical relevance. This variant is absent from population databases. The currently available literature and clinical evidence are not sufficient to establish a definitive association between this variant and the reported condition. Therefore, this variant is classified as a variant of uncertain significance.

NM_002465.4(MYBPC1):c.772G>C (p.Asp258His)

Gene: MYBPC1 (myosin binding protein C1; plus strand). Cytogenetic location: 12q23.2.
Variant type: single nucleotide variant.
Coding change: c.772G>C on transcript NM_002465.4 (MANE Select); coding-DNA position 772, G replaced by C.
Protein change: p.Asp258His; replaces aspartic acid 258 with histidine.
Molecular consequence: missense variant.
Genome position (GRCh38, 1-based): chr12:101,642,525, G>C. VCF-style: chr12-101642525-G-C. GRCh37 (hg19) VCF-style: chr12-102036303-G-C.
Other names: c.697G>C, p.Asp233His (NM_001254718.3, NM_001254719.3, NM_206820.4 and 1 more transcripts); c.661G>C, p.Asp221His (NM_001254720.3); c.640G>C, p.Asp214His (NM_001254721.3, NM_001404676.1, NM_001404678.1); c.619G>C, p.Asp207His (NM_001254722.3, NM_001404680.1); c.658G>C, p.Asp220His (NM_001254723.3); c.772G>C, p.Asp258His (NM_001404675.1, NM_206819.4); c.562G>C, p.Asp188His (NM_001404677.1, NM_001404679.1, NM_001404681.1); short protein forms D188H, D207H, D214H, D220H, D221H, D233H, D258H.
Identifiers: ClinVar variation 4882769 (VCV004882769.2).
Genomic context (GRCh38, chr12:101,642,525, plus strand): 5'-TTGCTGAAGAACGCGAAACCCAGTGAGTACGAGAAGATCGCCTTCCAGTATGGAATCACC[G>C]ACCTGCGCGGCATGCTCAAGCGACTCAAGCGCATGCGCAGAGAGGAGAAGAAGAGCGCAG-3'
Protein context (NP_002456.2, residues 248-268): EKIAFQYGIT[Asp258His]LRGMLKRLKR